The following is an entry in ClinVar:

ClinVar aggregate classification (germline): Pathogenic. Review status: criteria provided, multiple submitters, no conflicts (2 of 4 stars). 3 submissions from 3 submitters: Pathogenic (2). 1 of the submissions does not count toward it. Last evaluated 2025-09-19.

Conditions:
Familial cancer of breast. Also called: BREAST CANCER, FAMILIAL; Hereditary breast cancer; hereditary breast carcinoma. Identifiers: Orphanet 227535, MedGen C0346153, MONDO:0016419, OMIM 114480. Disease mechanism: loss of function.

Submissions (3):

Institute of Human Genetics, FAU Erlangen, Friedrich-Alexander-Universität Erlangen-Nürnberg
Classification: Pathogenic. Last evaluated: 2025-09-19. Review status: criteria provided, single submitter. Criteria: Hauer et al. (Genet Med. 2018). Collection method: clinical testing. Allele origin: germline. Inheritance: Unknown mechanism. Affected: yes. Observed: 1 variant allele.
Comment: This variant has been identified by standard clinical testing.

Labcorp Genetics (formerly Invitae), Labcorp
Classification: Pathogenic for Familial cancer of breast. Last evaluated: 2022-09-06. Review status: criteria provided, single submitter. Criteria: Invitae Variant Classification Sherloc (09022015). Collection method: clinical testing. Allele origin: germline.
Comment: This variant is not present in population databases (gnomAD no frequency). For these reasons, this variant has been classified as Pathogenic. This variant has not been reported in the literature in individuals affected with PALB2-related conditions. This sequence change creates a premature translational stop signal (p.His647Aspfs*14) in the PALB2 gene. It is expected to result in an absent or disrupted protein product. Loss-of-function variants in PALB2 are known to be pathogenic (PMID: 17200668, 17200671, 17200672, 24136930, 25099575).

Institute of Human Genetics, University of Wuerzburg
Classification: Pathogenic. Review status: no assertion criteria provided. Collection method: clinical testing. Allele origin: unknown. Not counted in ClinVar's aggregate classification.

Literature cited by the submitters: PubMed 17200668 (cited by Labcorp Genetics (formerly Invitae), Labcorp); PubMed 17200671 (cited by Labcorp Genetics (formerly Invitae), Labcorp); PubMed 17200672 (cited by Labcorp Genetics (formerly Invitae), Labcorp); PubMed 24136930 (cited by Labcorp Genetics (formerly Invitae), Labcorp); PubMed 25099575 (cited by Labcorp Genetics (formerly Invitae), Labcorp).

NM_024675.4(PALB2):c.1937_1938dup (p.His647fs)

Gene: PALB2 (partner and localizer of BRCA2; minus strand). Cytogenetic location: 16p12.2.
Variant type: Microsatellite.
Coding change: c.1937_1938dup on transcript NM_024675.4 (MANE Select); coding-DNA positions 1937 to 1938, 2 bases duplicated (GA; older notation c.1937_1938dupGA).
Protein change: p.His647fs; shifts the reading frame from histidine 647.
Molecular consequence: frameshift variant.
Genome position (GRCh38, 1-based): chr16:23,630,216-23,630,217, TC duplicated on the plus strand (GA on the coding strand, the reverse complement: PALB2 is on the minus strand); duplicating any 2 consecutive bases within chr16:23,630,216-23,630,223 gives the same sequence; the c. name uses the placement nearest the transcript's 3' end. VCF-style (leftmost placement, unchanged base first): chr16-23630215-G-GTC. GRCh37 (hg19) VCF-style: chr16-23641536-G-GTC.
Other names: short protein forms H647fs.
Identifiers: ClinVar variation 446477 (VCV000446477.10), dbSNP rs1555460584, ClinGen allele CA658658414.